The following is an entry in ClinVar:

ClinVar aggregate classification (germline): Uncertain significance. Review status: criteria provided, multiple submitters, no conflicts (2 of 4 stars). 6 submissions from 6 submitters: Uncertain significance (6). Last evaluated 2026-05-06.

Conditions:
TPRN-related disorder. Also called: TPRN-related condition.
Inborn genetic diseases. Identifiers: MedGen C0950123, MeSH D030342.

Allele frequency attached by ClinVar (database versions not stated): ESP Exome Variant Server 0.00023; TOPMed 0.00041; gnomAD 0.00048.
gnomAD v4.1: 701 of 1,605,976 alleles (0.044%); highest among the groups gnomAD compares: Non-Finnish European, 0.056%; no homozygotes.

Submissions (6):

PreventionGenetics, part of Exact Sciences
Classification: Uncertain significance for TPRN-related condition. Last evaluated: 2026-05-06. Review status: criteria provided, single submitter. Criteria: ACMG Guidelines, 2015. Collection method: clinical testing. Allele origin: germline.
Comment: The TPRN c.1906C>T variant is predicted to result in the amino acid substitution p.Arg636Trp. To our knowledge, this variant has not been reported in the literature. This variant is reported in 0.060% of alleles in individuals of European (Non-Finnish) descent in gnomAD. Although we suspect that this variant may be benign, at this time, the clinical significance of this variant is uncertain due to the absence of conclusive functional and genetic evidence.

Labcorp Genetics (formerly Invitae), Labcorp
Classification: Uncertain significance. Last evaluated: 2025-10-07. Review status: criteria provided, single submitter. Criteria: Invitae Variant Classification Sherloc (09022015). Collection method: clinical testing. Allele origin: germline.
Comment: This sequence change replaces arginine, which is basic and polar, with tryptophan, which is neutral and slightly polar, at codon 636 of the TPRN protein (p.Arg636Trp). This variant is present in population databases (rs145556855, gnomAD 0.06%). This variant has not been reported in the literature in individuals affected with TPRN-related conditions. ClinVar contains an entry for this variant (Variation ID: 504686). Invitae Evidence Modeling of protein sequence and biophysical properties (such as structural, functional, and spatial information, amino acid conservation, physicochemical variation, residue mobility, and thermodynamic stability) indicates that this missense variant is expected to disrupt TPRN protein function with a positive predictive value of 80%. In summary, the available evidence is currently insufficient to determine the role of this variant in disease. Therefore, it has been classified as a Variant of Uncertain Significance.

GeneDx
Classification: Uncertain significance. Last evaluated: 2025-02-06. Review status: criteria provided, single submitter. Criteria: GeneDx Variant Classification Process June 2021. Collection method: clinical testing. Allele origin: germline. Affected: yes.
Comment: In silico analysis supports that this missense variant has a deleterious effect on protein structure/function; Has not been previously published as pathogenic or benign to our knowledge

Ambry Genetics
Classification: Uncertain significance for Inborn genetic diseases. Last evaluated: 2025-01-21. Review status: criteria provided, single submitter. Criteria: Ambry Variant Classification Scheme 2023. Collection method: clinical testing. Allele origin: germline.

Blueprint Genetics
Classification: Uncertain significance. Last evaluated: 2024-08-06. Review status: criteria provided, single submitter. Criteria: ACMG Guidelines, 2015. Collection method: clinical testing. Allele origin: germline.

Laboratory for Molecular Medicine, Mass General Brigham Personalized Medicine
Classification: Uncertain significance. Last evaluated: 2017-09-22. Review status: criteria provided, single submitter. Criteria: LMM Criteria. Collection method: clinical testing. Allele origin: germline. Observed: 2 variant alleles.
Comment: It has also been identified in 67/117276 European chromosomes by the Genome Aggregation Database (gnomAD; d bSNP rs145556855). Although this variant has been seen in the general population , its frequency is not high enough to rule out a pathogenic role. Computational prediction tools and conservation analysis suggest that the p.Arg636Trp variant may impact the protein, though this information is not predictive enough to dete rmine pathogenicity. In summary, the clinical significance of the p.Arg636Trp va riant is uncertain.

NM_001128228.3(TPRN):c.1906C>T (p.Arg636Trp)

Gene: TPRN (taperin; minus strand). Cytogenetic location: 9q34.3.
Variant type: single nucleotide variant.
Coding change: c.1906C>T on transcript NM_001128228.3 (MANE Select); coding-DNA position 1906, C replaced by T.
Protein change: p.Arg636Trp; replaces arginine 636 with tryptophan.
Molecular consequence: missense variant.
Genome position (GRCh38, 1-based): chr9:137,192,511, G>A on the plus strand (C>T on the coding strand, the complement: TPRN is on the minus strand). VCF-style: chr9-137192511-G-A. GRCh37 (hg19) VCF-style: chr9-140086963-G-A.
Other names: short protein forms R636W.
Identifiers: ClinVar variation 504686 (VCV000504686.16), dbSNP rs145556855, ClinGen allele CA5362601.